The following is an entry in ClinVar:

NM_032444.4(SLX4):c.4600G>T (p.Gly1534Cys)

Gene: SLX4 (SLX4 structure-specific endonuclease subunit; minus strand). Cytogenetic location: 16p13.3.
Variant type: single nucleotide variant.
Coding change: c.4600G>T on transcript NM_032444.4 (MANE Select); coding-DNA position 4600, G replaced by T.
Protein change: p.Gly1534Cys; replaces glycine 1534 with cysteine.
Molecular consequence: missense variant.
Genome position (GRCh38, 1-based): chr16:3,589,038, C>A on the plus strand (G>T on the coding strand, the complement: SLX4 is on the minus strand). VCF-style: chr16-3589038-C-A. GRCh37 (hg19) VCF-style: chr16-3639039-C-A.
Other names: short protein forms G1534C.
Identifiers: ClinVar variation 954621 (VCV000954621.8), dbSNP rs78770603, ClinGen allele CA276957999.

ClinVar aggregate classification (germline): Uncertain significance. Review status: criteria provided, multiple submitters, no conflicts (2 of 4 stars). 2 submissions from 2 submitters: Uncertain significance (2). Last evaluated 2024-01-25.

Conditions:
Fanconi anemia (FA). Also called: Fanconi's anemia. Identifiers: Orphanet 84, MedGen C0015625, MeSH D005199, MONDO:0019391.
Fanconi anemia complementation group P. Also called: SLX4-Related Fanconi Anemia. Identifiers: Orphanet 84, MedGen C3469542, MONDO:0013499, OMIM 613951.

Allele frequency attached by ClinVar (database versions not stated): TOPMed 0.00003.
gnomAD v4.1: 26 of 1,614,036 alleles (0.0016%); highest among the groups gnomAD compares: Non-Finnish European, 0.0021%; no homozygotes.

Submissions (2):

Fulgent Genetics
Classification: Uncertain significance for Fanconi anemia complementation group P. Last evaluated: 2024-01-25. Review status: criteria provided, single submitter. Criteria: ACMG Guidelines, 2015. Collection method: clinical testing. Allele origin: germline.

Labcorp Genetics (formerly Invitae), Labcorp
Classification: Uncertain significance for Fanconi anemia. Last evaluated: 2021-09-01. Review status: criteria provided, single submitter. Criteria: Invitae Variant Classification Sherloc (09022015). Collection method: clinical testing. Allele origin: germline.
Comment: This sequence change replaces glycine with cysteine at codon 1534 of the SLX4 protein (p.Gly1534Cys). The glycine residue is weakly conserved and there is a large physicochemical difference between glycine and cysteine. This variant is not present in population databases (ExAC no frequency). This variant has not been reported in the literature in individuals affected with SLX4-related conditions. Algorithms developed to predict the effect of missense changes on protein structure and function are either unavailable or do not agree on the potential impact of this missense change (SIFT: "Deleterious"; PolyPhen-2: "Possibly Damaging"; Align-GVGD: "Class C0"). In summary, the available evidence is currently insufficient to determine the role of this variant in disease. Therefore, it has been classified as a Variant of Uncertain Significance.